The following is an entry in ClinVar:

ClinVar aggregate classification (germline): Likely pathogenic (1 of 4 stars; one submission).

Conditions:
Walker-Warburg congenital muscular dystrophy. Also called: Muscular dystrophy-dystroglycanopathy, type A; Walker-Warburg syndrome. Identifiers: Orphanet 899, MedGen C0265221, MONDO:0000171.

Submission:

Labcorp Genetics (formerly Invitae), Labcorp
Classification: Likely pathogenic for Walker-Warburg congenital muscular dystrophy. Last evaluated: 2022-05-27. Review status: criteria provided, single submitter. Criteria: Invitae Variant Classification Sherloc (09022015). Collection method: clinical testing. Allele origin: germline.
Comment: This variant results in a copy number gain of the genomic region encompassing exon(s) 8 of the FKTN gene. While the exact position of this variant cannot be determined from the data, sub-genic copy number gains are generally in tandem (PMID: 25640679). This variant is predicted to be out-of-frame, and may result in an absent or disrupted protein product. Loss-of-function variants in FKTN are known to be pathogenic (PMID: 17044012, 17878207, 18752264). In summary, the currently available evidence indicates that the variant is pathogenic, but additional data are needed to prove that conclusively. Therefore, this variant has been classified as Likely Pathogenic. This variant has not been reported in the literature in individuals affected with FKTN-related conditions.

Literature cited by the submitters: PubMed 25640679; PubMed 17044012; PubMed 17878207; PubMed 18752264.

NC_000009.11:g.(?_108377539)_(108377708_?)dup

Gene: FKTN (fukutin; plus strand). Cytogenetic location: 9q31.2.
Variant type: Duplication.
Identifiers: ClinVar variation 2423631 (VCV002423631.3).